The following is an entry in ClinVar:

ClinVar aggregate classification (germline): Uncertain significance (1 of 4 stars; one submission).

Submission:

Labcorp Genetics (formerly Invitae), Labcorp
Classification: Uncertain significance. Last evaluated: 2023-10-22. Review status: criteria provided, single submitter. Criteria: Invitae Variant Classification Sherloc (09022015). Collection method: clinical testing. Allele origin: germline.
Comment: This sequence change replaces leucine, which is neutral and non-polar, with valine, which is neutral and non-polar, at codon 1469 of the MYO7A protein (p.Leu1469Val). This variant is not present in population databases (gnomAD no frequency). This variant has not been reported in the literature in individuals affected with MYO7A-related conditions. Advanced modeling of protein sequence and biophysical properties (such as structural, functional, and spatial information, amino acid conservation, physicochemical variation, residue mobility, and thermodynamic stability) has been performed at Invitae for this missense variant, however the output from this modeling did not meet the statistical confidence thresholds required to predict the impact of this variant on MYO7A protein function. In summary, the available evidence is currently insufficient to determine the role of this variant in disease. Therefore, it has been classified as a Variant of Uncertain Significance.

NM_000260.4(MYO7A):c.4405C>G (p.Leu1469Val)

Gene: MYO7A (myosin VIIA; plus strand). Cytogenetic location: 11q13.5.
Variant type: single nucleotide variant.
Coding change: c.4405C>G on transcript NM_000260.4 (MANE Select); coding-DNA position 4405, C replaced by G.
Protein change: p.Leu1469Val; replaces leucine 1469 with valine.
Molecular consequence: missense variant.
Genome position (GRCh38, 1-based): chr11:77,197,562, C>G. VCF-style: chr11-77197562-C-G. GRCh37 (hg19) VCF-style: chr11-76908607-C-G.
Other names: c.4405C>G, p.Leu1469Val (NM_001127180.2); c.4372C>G, p.Leu1458Val (NM_001369365.1); short protein forms L1469V, L1458V.
Identifiers: ClinVar variation 2770817 (VCV002770817.3), dbSNP rs1209080801, ClinGen allele CA381950104.
Genomic context (GRCh38, chr11:77,197,562, plus strand): 5'-ACTGATGCCCAGAAGGTCAAAGAGGATGTGGTCAGTTATGCCCGCTTCAAGTGGCCCTTG[C>G]TCTTCTCCAGGTTTTATGAAGCCTACAAATTCTCAGGTACCCCGCAGCCTGCAATGCTCC-3'
Protein context (NP_000251.3, residues 1459-1479): VSYARFKWPL[Leu1469Val]FSRFYEAYKF